The following is an entry in ClinVar:

NM_032108.4(SEMA6B):c.1978C>T (p.Gln660Ter)

Gene: SEMA6B (semaphorin 6B; minus strand). Cytogenetic location: 19p13.3.
Variant type: single nucleotide variant.
Coding change: c.1978C>T on transcript NM_032108.4 (MANE Select); coding-DNA position 1978, C replaced by T.
Protein change: p.Gln660Ter; replaces glutamine 660 with a stop codon.
Molecular consequence: nonsense.
Genome position (GRCh38, 1-based): chr19:4,544,290, G>A on the plus strand (C>T on the coding strand, the complement: SEMA6B is on the minus strand). VCF-style: chr19-4544290-G-A. GRCh37 (hg19) VCF-style: chr19-4544302-G-A.
Other names: short protein forms Q660*.
Identifiers: ClinVar variation 1708937 (VCV001708937.9), dbSNP rs2512182865, ClinGen allele CA403461468.
Genomic context (GRCh38, chr19:4,544,290, plus strand): 5'-GGGCCTCCGGGGGAACCCCGGCGCCACCGCCACCGCCTCCGCCCCGGCCCCCGGGACCCT[G>A]CGCCCTGCGCTCGCCCAGGCGGCTGACGCTCAGCACCGCCTCGCCCGCCCCGTGCGCCAG-3'

ClinVar aggregate classification (germline): Pathogenic/Likely pathogenic. Review status: criteria provided, multiple submitters, no conflicts (2 of 4 stars). 2 submissions from 2 submitters: Pathogenic (1); Likely pathogenic (1). Last evaluated 2025-09-01.

Submissions (2):

CeGaT Center for Human Genetics Tuebingen
Classification: Likely pathogenic. Last evaluated: 2025-09-01. Review status: criteria provided, single submitter. Criteria: CeGaT Center For Human Genetics Tuebingen Variant Classification Criteria Version 2. Collection method: clinical testing. Allele origin: germline. Affected: yes. Observed: 1 variant allele.
Comment: SEMA6B: PVS1:Strong, PM2

GeneDx
Classification: Pathogenic. Last evaluated: 2022-10-07. Review status: criteria provided, single submitter. Criteria: GeneDx Variant Classification Process June 2021. Collection method: clinical testing. Allele origin: germline. Affected: yes.
Comment: Nonsense variant in the C-terminus predicted to result in protein truncation, as the last 229 amino acids are lost, and other loss-of-function variants have been reported downstream in the Human Gene Mutation Database (HGMD); Not observed at significant frequency in large population cohorts (gnomAD); Has not been previously published as pathogenic or benign to our knowledge